The following is an entry in ClinVar:

ClinVar aggregate classification (germline): Uncertain significance (1 of 4 stars; one submission).

Allele frequency attached by ClinVar (database versions not stated): gnomAD exomes below 0.00001; TOPMed below 0.00001; gnomAD 0.00001.
gnomAD v4.1: 2 of 1,614,078 alleles (0.00012%); highest among the groups gnomAD compares: Admixed American, 0.0017%; no homozygotes.

Submission:

Labcorp Genetics (formerly Invitae), Labcorp
Classification: Uncertain significance. Last evaluated: 2024-01-22. Review status: criteria provided, single submitter. Criteria: Invitae Variant Classification Sherloc (09022015). Collection method: clinical testing. Allele origin: germline.
Comment: This sequence change replaces asparagine, which is neutral and polar, with threonine, which is neutral and polar, at codon 2076 of the CPLANE1 protein (p.Asn2076Thr). This variant is not present in population databases (gnomAD no frequency). This variant has not been reported in the literature in individuals affected with CPLANE1-related conditions. ClinVar contains an entry for this variant (Variation ID: 1960232). Advanced modeling of protein sequence and biophysical properties (such as structural, functional, and spatial information, amino acid conservation, physicochemical variation, residue mobility, and thermodynamic stability) performed at Invitae indicates that this missense variant is not expected to disrupt CPLANE1 protein function with a negative predictive value of 95%. In summary, the available evidence is currently insufficient to determine the role of this variant in disease. Therefore, it has been classified as a Variant of Uncertain Significance.

NM_001384732.1(CPLANE1):c.6227A>C (p.Asn2076Thr)

Gene: CPLANE1 (ciliogenesis and planar polarity effector complex subunit 1; minus strand). Cytogenetic location: 5p13.2.
Variant type: single nucleotide variant.
Coding change: c.6227A>C on transcript NM_001384732.1 (MANE Select); coding-DNA position 6227, A replaced by C.
Protein change: p.Asn2076Thr; replaces asparagine 2076 with threonine.
Molecular consequence: missense variant.
Genome position (GRCh38, 1-based): chr5:37,170,276, T>G on the plus strand (A>C on the coding strand, the complement: CPLANE1 is on the minus strand). VCF-style: chr5-37170276-T-G. GRCh37 (hg19) VCF-style: chr5-37170378-T-G.
Other names: c.6227A>C, p.Asn2076Thr (NM_023073.4); short protein forms N2076T.
Identifiers: ClinVar variation 1960232 (VCV001960232.3), dbSNP rs1182101030, ClinGen allele CA359482678.